The following is an entry in ClinVar:

ClinVar aggregate classification (germline): Benign/Likely benign. Review status: criteria provided, multiple submitters, no conflicts (2 of 4 stars). 4 submissions from 4 submitters: Benign (1); Likely benign (3). Last evaluated 2026-03-01.

Conditions:
Hereditary spastic paraplegia 8 (SPG8). Also called: SPASTIC PARAPLEGIA 8, AUTOSOMAL DOMINANT. Identifiers: Orphanet 100989, MedGen C1863704, MONDO:0011339, OMIM 603563.
Ritscher-Schinzel syndrome. Also called: CRANIOCEREBELLOCARDIAC DYSPLASIA. Identifiers: Orphanet 7, MedGen C0796137, MONDO:0019078.

Allele frequency attached by ClinVar (database versions not stated): gnomAD exomes 0.00012 and 0.00025; 1000 Genomes Project 0.00020; ExAC 0.00022; ESP Exome Variant Server 0.00023; gnomAD 0.00027 and 0.00028; TOPMed 0.00030; 1000 Genomes Project 30x 0.00031.
gnomAD v4.1: 241 of 1,613,880 alleles (0.015%); highest among the groups gnomAD compares: Admixed American, 0.022%; no homozygotes.

Submissions (4):

CeGaT Center for Human Genetics Tuebingen
Classification: Likely benign. Last evaluated: 2026-03-01. Review status: criteria provided, single submitter. Criteria: CeGaT Center For Human Genetics Tuebingen Variant Classification Criteria Version 2. Collection method: clinical testing. Allele origin: germline. Affected: yes. Observed: 1 variant allele.
Comment: WASHC5: BP4, BP7

Labcorp Genetics (formerly Invitae), Labcorp
Classification: Benign for Ritscher-Schinzel syndrome; Hereditary spastic paraplegia 8. Last evaluated: 2025-09-15. Review status: criteria provided, single submitter. Criteria: Invitae Variant Classification Sherloc (09022015). Collection method: clinical testing. Allele origin: germline.

Mayo Clinic Laboratories, Mayo Clinic
Classification: Likely benign. Last evaluated: 2025-06-17. Review status: criteria provided, single submitter. Criteria: ACMG Guidelines, 2015. Collection method: clinical testing. Allele origin: germline. Observed: 1 variant allele.
Comment: BS1, BP4, BP7

Illumina Laboratory Services, Illumina
Classification: Likely benign for Hereditary spastic paraplegia 8. Last evaluated: 2018-01-13. Review status: criteria provided, single submitter. Criteria: ICSL Variant Classification Criteria 13 December 2019. Collection method: clinical testing. Allele origin: germline.
Comment: This variant was observed in the ICSL laboratory as part of a predisposition screen in an ostensibly healthy population. It had not been previously curated by ICSL or reported in the Human Gene Mutation Database (HGMD: prior to June 1st, 2018), and was therefore a candidate for classification through an automated scoring system. Utilizing variant allele frequency, disease prevalence and penetrance estimates, and inheritance mode, an automated score was calculated to assess if this variant is too frequent to cause the disease. Based on the score and internal cut-off values, a variant classified as likely benign is not then subjected to further curation. The score for this variant resulted in a classification of likely benign for this disease.

NM_014846.4(WASHC5):c.12T>C (p.Phe4=)

Gene: WASHC5 (WASH complex subunit 5; minus strand). Cytogenetic location: 8q24.13.
Variant type: single nucleotide variant.
Coding change: c.12T>C on transcript NM_014846.4 (MANE Select); coding-DNA position 12, T replaced by C.
Protein change: p.Phe4=; no amino-acid change (phenylalanine 4 retained).
Molecular consequence: synonymous variant. On other transcripts: intron variant (1).
Genome position (GRCh38, 1-based): chr8:125,083,887, A>G on the plus strand (T>C on the coding strand, the complement: WASHC5 is on the minus strand). VCF-style: chr8-125083887-A-G. GRCh37 (hg19) VCF-style: chr8-126096129-A-G.
Other names: p.Phe4=; c.-258-629T>C (NM_001330609.2).
Identifiers: ClinVar variation 696739 (VCV000696739.19), dbSNP rs202120400, ClinGen allele CA4874227.